The following is an entry in ClinVar:

NM_007055.4(POLR3A):c.*470G>A

Gene: POLR3A (RNA polymerase III subunit A; minus strand). Cytogenetic location: 10q22.3.
Variant type: single nucleotide variant.
Coding change: c.*470G>A on transcript NM_007055.4 (MANE Select); 470 bases downstream of the stop codon, G replaced by A.
Molecular consequence: 3 prime UTR variant.
Genome position (GRCh38, 1-based): chr10:77,977,008, C>T on the plus strand (G>A on the coding strand, the complement: POLR3A is on the minus strand). VCF-style: chr10-77977008-C-T. GRCh37 (hg19) VCF-style: chr10-79736766-C-T.
Identifiers: ClinVar variation 301024 (VCV000301024.5), dbSNP rs74704054, ClinGen allele CA10636555.

ClinVar aggregate classification (germline): Likely benign (1 of 4 stars; one submission).

Conditions:
Leukodystrophy, hypomyelinating, 7, with or without oligodontia and/or hypogonadotropic hypogonadism (HLD7). Also called: LEUKOENCEPHALOPATHY, HYPOMYELINATING, WITH ATAXIA AND DELAYED DENTITION; ATAXIA, DELAYED DENTITION, AND HYPOMYELINATION; LEUKODYSTROPHY, HYPOMYELINATING, 7, WITH OLIGODONTIA; LEUKODYSTROPHY, HYPOMYELINATING, 7, WITH OLIGODONTIA AND HYPOGONADOTROPIC HYPOGONADISM; LEUKODYSTROPHY, HYPOMYELINATING, 7, WITHOUT OLIGODONTIA OR HYPOGONADOTROPIC HYPOGONADISM; Ataxia, Delayed Dentition and Hypomyelination (ADDH). Identifiers: Orphanet 137639, Orphanet 447893, Orphanet 447896, Orphanet 77295, Orphanet 88637, MedGen CN034185, MONDO:0011897, OMIM 607694.

Allele frequency attached by ClinVar (database versions not stated): gnomAD 0.00058 and 0.00078; TOPMed 0.00074; gnomAD exomes 0.00095; 1000 Genomes Project 30x 0.00234; 1000 Genomes Project 0.00240.

Submission:

Illumina Laboratory Services, Illumina
Classification: Likely benign for Leukodystrophy, hypomyelinating, 7, with or without oligodontia and/or hypogonadotropic hypogonadism. Last evaluated: 2018-01-12. Review status: criteria provided, single submitter. Criteria: ICSL Variant Classification Criteria 13 December 2019. Collection method: clinical testing. Allele origin: germline.
Comment: This variant was observed in the ICSL laboratory as part of a predisposition screen in an ostensibly healthy population. It had not been previously curated by ICSL or reported in the Human Gene Mutation Database (HGMD: prior to June 1st, 2018), and was therefore a candidate for classification through an automated scoring system. Utilizing variant allele frequency, disease prevalence and penetrance estimates, and inheritance mode, an automated score was calculated to assess if this variant is too frequent to cause the disease. Based on the score and internal cut-off values, a variant classified as likely benign is not then subjected to further curation. The score for this variant resulted in a classification of likely benign for this disease.